The following is an entry in ClinVar:

NM_000709.4(BCKDHA):c.1061G>A (p.Trp354Ter)

Gene: BCKDHA (branched chain keto acid dehydrogenase E1 subunit alpha; plus strand). Cytogenetic location: 19q13.2.
Variant type: single nucleotide variant.
Coding change: c.1061G>A on transcript NM_000709.4 (MANE Select); coding-DNA position 1061, G replaced by A.
Protein change: p.Trp354Ter; replaces tryptophan 354 with a stop codon.
Molecular consequence: nonsense.
Genome position (GRCh38, 1-based): chr19:41,423,063, G>A. VCF-style: chr19-41423063-G-A. GRCh37 (hg19) VCF-style: chr19-41928968-G-A.
Other names: c.1058G>A, p.Trp353Ter (NM_001164783.2); short protein forms W354*, W353*.
Identifiers: ClinVar variation 936117 (VCV000936117.9), dbSNP rs1214763792, ClinGen allele CA406013881.
Genomic context (GRCh38, chr19:41,423,063, plus strand): 5'-GGCACCACAGCACCAGTGACGACAGTTCAGCGTACCGCTCGGTGGATGAGGTCAATTACT[G>A]GGATAAACAGGACCACCCCATCTCCCGGCTGCGGCACTATCTGCTGAGCCAAGGCTGGTG-3'

ClinVar aggregate classification (germline): Pathogenic/Likely pathogenic. Review status: criteria provided, multiple submitters, no conflicts (2 of 4 stars). 3 submissions from 3 submitters: Pathogenic (2); Likely pathogenic (1). Last evaluated 2022-06-07.

Conditions:
Maple syrup urine disease (MSUD). Identifiers: Orphanet 511, MedGen C0024776, MeSH D008375, MONDO:0009563. Disease mechanism: loss of function.

Allele frequency attached by ClinVar (database versions not stated): gnomAD 0.00001; TOPMed below 0.00001.
gnomAD v4.1: 5 of 1,595,574 alleles (0.00031%); highest among the groups gnomAD compares: Non-Finnish European, 0.00043%; no homozygotes.

Submissions (3):

Baylor Genetics
Classification: Pathogenic for Maple syrup urine disease type 1A. Last evaluated: 2022-06-07. Review status: criteria provided, single submitter. Criteria: ACMG Guidelines, 2015. Collection method: clinical testing. Allele origin: unknown.

Women's Health and Genetics/Laboratory Corporation of America, LabCorp
Classification: Likely pathogenic for Maple syrup urine disease. Last evaluated: 2022-01-14. Review status: criteria provided, single submitter. Criteria: LabCorp Variant Classification Summary - May 2015. Collection method: clinical testing. Allele origin: germline.
Comment: Variant summary: BCKDHA c.1061G>A (p.Trp354X) results in a premature termination codon, predicted to cause a truncation of the encoded protein or absence of the protein due to nonsense mediated decay, which are commonly known mechanisms for disease. Truncations downstream of this position have been associated with Maple syrup urine disease in HGMD. The variant was absent in 218442 control chromosomes (gnomAD). To our knowledge, no occurrence of c.1061G>A in individuals affected with Maple Syrup Urine Disease and no experimental evidence demonstrating its impact on protein function have been reported. One clinical diagnostic laboratory has submitted clinical-significance assessments for this variant to ClinVar after 2014 and classified the variant as pathogenic. Based on the evidence outlined above, the variant was classified as likely pathogenic.

Labcorp Genetics (formerly Invitae), Labcorp
Classification: Pathogenic for Maple syrup urine disease. Last evaluated: 2019-07-11. Review status: criteria provided, single submitter. Criteria: Invitae Variant Classification Sherloc (09022015). Collection method: clinical testing. Allele origin: germline.
Comment: This sequence change creates a premature translational stop signal (p.Trp354*) in the BCKDHA gene. It is expected to result in an absent or disrupted protein product. This variant is not present in population databases (ExAC no frequency). This variant has not been reported in the literature in individuals with BCKDHA-related conditions. Loss-of-function variants in BCKDHA are known to be pathogenic (PMID: 16786533, 22593002). For these reasons, this variant has been classified as Pathogenic.

Literature cited by the submitters: PubMed 16786533 (cited by Labcorp Genetics (formerly Invitae), Labcorp); PubMed 22593002 (cited by Labcorp Genetics (formerly Invitae), Labcorp).